The following is an entry in ClinVar:

ClinVar aggregate classification (germline): Likely benign. Review status: reviewed by expert panel (3 of 4 stars). 7 submissions from 7 submitters: Likely benign (1). 6 of the submissions do not count toward it. Last evaluated 2024-09-10.

Conditions:
Inborn genetic diseases. Identifiers: MedGen C0950123, MeSH D030342.
Pulmonary arterial hypertension. Identifiers: Orphanet 182090, MedGen C2973725, MeSH D000081029, MONDO:0015924, HP:0002092.
Pulmonary hypertension, primary, 1 (PPH1). Also called: Pulmonary hypertension, familial primary, 1, with or without HHT. Identifiers: Orphanet 422, MedGen C4552070, MONDO:0024533, OMIM 178600.
BMPR2-related disorder. Also called: BMPR2-related condition; BMPR2-related disorders.
Primary pulmonary hypertension. Also called: Idiopathic pulmonary hypertension. Identifiers: MedGen C0152171.

Allele frequency attached by ClinVar (database versions not stated): gnomAD exomes 0.00020 and 0.00051; ExAC 0.00059; ESP Exome Variant Server 0.00223; gnomAD 0.00228 and 0.00241; TOPMed 0.00229; 1000 Genomes Project 0.00260; 1000 Genomes Project 30x 0.00297.
gnomAD v4.1: 668 of 1,612,138 alleles (0.041%); highest among the groups gnomAD compares: African/African-American, 0.77%; 2 homozygotes.

Submissions (7):

Clingen Pulmonary Hypertension Variant Curation Expert Panel, ClinGen
Classification: Likely benign for Pulmonary arterial hypertension. Last evaluated: 2024-09-10. Review status: reviewed by expert panel. Criteria: ClinGen PH ACMG Specifications BMPR2 V1.1.0. Collection method: curation. Allele origin: germline. Inheritance: Autosomal dominant inheritance.
Comment: The BMPR2 c.86A>G missense variant is predicted to cause a substitution of asparagine to serine at amino acid position 29 (p.Asn29Ser) in exon 2 within the signal peptide domain. The highest population minor allele frequency in gnomAD v2.1.1 controls is 0.006265 (v4.1.0 is 0.007668) in African/African American population, which is higher than the ClinGen Pulmonary Hypertension VECP threshold ≥0.1% for BS1, and therefore meets this criterion. The computational predictor REVEL gives a score of 0.497 indicating neither PP3 (≥0.75) nor BP4 (≤0.25) met. SpliceAI algorithm predicts no deleterious effect on acceptor or donor splice site. In summary, the variant meets the criteria to be classified as variant of likely benign for pulmonary arterial hypertension based on the ACMG/AMP criteria applied, as specified by the ClinGen Pulmonary Hypertension VCEP: BS1 (VCEP specification version 1.1, 1/18/2024).

Labcorp Genetics (formerly Invitae), Labcorp
Classification: Benign for Primary pulmonary hypertension. Last evaluated: 2025-12-22. Review status: criteria provided, single submitter. Criteria: Invitae Variant Classification Sherloc (09022015). Collection method: clinical testing. Allele origin: germline. Not counted in ClinVar's aggregate classification.

Ambry Genetics
Classification: Uncertain significance for Inborn genetic diseases. Last evaluated: 2025-11-06. Review status: criteria provided, single submitter. Criteria: Ambry Variant Classification Scheme 2023. Collection method: clinical testing. Allele origin: germline. Not counted in ClinVar's aggregate classification.
Comment: The p.N29S variant (also known as c.86A>G), located in coding exon 2 of the BMPR2 gene, results from an A to G substitution at nucleotide position 86. The asparagine at codon 29 is replaced by serine, an amino acid with highly similar properties. This amino acid position is conserved. In addition, this alteration is predicted to be tolerated by in silico analysis. Since supporting evidence is limited at this time, the clinical significance of this alteration remains unclear.

Blueprint Genetics
Classification: Likely benign. Last evaluated: 2024-10-09. Review status: criteria provided, single submitter. Criteria: ACMG Guidelines, 2015. Collection method: clinical testing. Allele origin: germline. Not counted in ClinVar's aggregate classification.

ARUP Laboratories, Molecular Genetics and Genomics, ARUP Laboratories
Classification: Likely benign. Last evaluated: 2023-12-01. Review status: criteria provided, single submitter. Criteria: ARUP Molecular Germline Variant Investigation Process 2024. Collection method: clinical testing. Allele origin: germline. Not counted in ClinVar's aggregate classification.

Illumina Laboratory Services, Illumina
Classification: Benign for Pulmonary hypertension, primary, 1. Last evaluated: 2018-01-13. Review status: criteria provided, single submitter. Criteria: ICSL Variant Classification Criteria 13 December 2019. Collection method: clinical testing. Allele origin: germline. Not counted in ClinVar's aggregate classification.
Comment: This variant was observed in the ICSL laboratory as part of a predisposition screen in an ostensibly healthy population. It had not been previously curated by ICSL or reported in the Human Gene Mutation Database (HGMD: prior to June 1st, 2018), and was therefore a candidate for classification through an automated scoring system. Utilizing variant allele frequency, disease prevalence and penetrance estimates, and inheritance mode, an automated score was calculated to assess if this variant is too frequent to cause the disease. Based on the score and internal cut-off values, a variant classified as benign is not then subjected to further curation. The score for this variant resulted in a classification of benign for this disease.

PreventionGenetics, part of Exact Sciences
Classification: Likely benign for BMPR2-related condition. Last evaluated: 2021-02-15. Review status: no assertion criteria provided. Collection method: clinical testing. Allele origin: germline. Not counted in ClinVar's aggregate classification.
Comment: This variant is classified as likely benign based on ACMG/AMP sequence variant interpretation guidelines (Richards et al. 2015 PMID: 25741868, with internal and published modifications).

NM_001204.7(BMPR2):c.86A>G (p.Asn29Ser)

Gene: BMPR2 (bone morphogenetic protein receptor type 2; plus strand). Cytogenetic location: 2q33.1.
Variant type: single nucleotide variant.
Coding change: c.86A>G on transcript NM_001204.7 (MANE Select); coding-DNA position 86, A replaced by G.
Protein change: p.Asn29Ser; replaces asparagine 29 with serine.
Molecular consequence: missense variant.
Genome position (GRCh38, 1-based): chr2:202,464,818, A>G. VCF-style: chr2-202464818-A-G. GRCh37 (hg19) VCF-style: chr2-203329541-A-G.
Other names: NM_001204.7(BMPR2):c.86A>G; p.Asn29Ser; c.86A>G (LRG_712t1); short protein forms N29S.
Identifiers: ClinVar variation 333638 (VCV000333638.24), dbSNP rs112862820, ClinGen allele CA2061034.
Genomic context (GRCh38, chr2:202,464,818, plus strand): 5'-TATTTTGAAAACATTAAATAATTTGTCATTCCTTTATTTCCTTTATTTTAGCTTCGCAGA[A>G]TCAAGAACGGCTATGTGCGTTTAAAGATCCGTATCAGCAAGACCTTGGGATAGGTGAGAG-3'
Protein context (NP_001195.2, residues 19-39): LLVSTAAASQ[Asn29Ser]QERLCAFKDP